The following is an entry in ClinVar:

ClinVar aggregate classification (germline): Conflicting classifications of pathogenicity. Review status: criteria provided, conflicting classifications (1 of 4 stars). 3 submissions from 3 submitters: Pathogenic (1); Likely pathogenic (1); Uncertain significance (1). Last evaluated 2024-11-14.

Conditions:
DDX3X-related X-linked intellectual disability.

Submissions (3):

Labcorp Genetics (formerly Invitae), Labcorp
Classification: Uncertain significance. Last evaluated: 2024-11-14. Review status: criteria provided, single submitter. Criteria: Invitae Variant Classification Sherloc (09022015). Collection method: clinical testing. Allele origin: germline.
Comment: This sequence change replaces leucine, which is neutral and non-polar, with histidine, which is basic and polar, at codon 559 of the DDX3X protein (p.Leu559His). This variant is not present in population databases (gnomAD no frequency). This missense change has been observed in individual(s) with clinical features of DDX3X-related conditions (PMID: 32135084, 33057194, 35982159). ClinVar contains an entry for this variant (Variation ID: 421228). Experimental studies and prediction algorithms are not available or were not evaluated, and the functional significance of this variant is currently unknown. In summary, the available evidence is currently insufficient to determine the role of this variant in disease. Therefore, it has been classified as a Variant of Uncertain Significance.

Illumina Laboratory Services, Illumina
Classification: Pathogenic for DDX3X-related X-linked intellectual disability. Last evaluated: 2021-09-16. Review status: criteria provided, single submitter. Criteria: ICSLVariantClassificationCriteria RUGD 01 April 2020. Collection method: clinical testing. Allele origin: unknown.
Comment: The DDX3X c.1676T>A (p.Leu559His) variant is a missense. This variant is not found in version 2.1.1 or version 3.1.1 of the Genome Aggregation Database despite its location in a region of good sequencing coverage, which suggests the variant is rare. The p.Leu559 residue is located in one of two helicase domains, which are noted to be significantly enriched for variants associated with disease (Lennox et al. 2020). This variant was identified in a de novo state. Based on the available evidence, the p.Leu559His variant is classified as pathogenic for DDX3X-related X-linked intellectual disability.

GeneDx
Classification: Likely pathogenic. Last evaluated: 2017-12-06. Review status: criteria provided, single submitter. Criteria: GeneDx Variant Classification (06012015). Collection method: clinical testing. Allele origin: germline. Affected: yes.
Comment: The L559H variant in the DDX3X gene has not been reported previously as a pathogenic variant, nor as a benign variant, to our knowledge. The L559H variant was not observed in approximately 6400 individuals of European and African American ancestry in the NHLBI Exome Sequencing Project, indicating it is not a common benign variant in these populations. The L559H variant is a non-conservative amino acid substitution, which is likely to impact secondary protein structure as these residues differ in polarity, charge, size and/or other properties. This substitution occurs at a position where amino acids with similar properties to Leucine are tolerated across species. In silico analysis predicts this variant is probably damaging to the protein structure/function. Therefore, we interpret L559H as a likely pathogenic variant, however the possibility it may be a rare benign variant cannot be excluded.

Literature cited by the submitters: PubMed 32135084 (cited by Labcorp Genetics (formerly Invitae), Labcorp and Illumina Laboratory Services, Illumina); PubMed 33057194 (cited by Labcorp Genetics (formerly Invitae), Labcorp); PubMed 35982159 (cited by Labcorp Genetics (formerly Invitae), Labcorp).

NM_001356.5(DDX3X):c.1676T>A (p.Leu559His)

Gene: DDX3X (DEAD-box helicase 3 X-linked; plus strand). Cytogenetic location: Xp11.4.
Variant type: single nucleotide variant.
Coding change: c.1676T>A on transcript NM_001356.5 (MANE Select); coding-DNA position 1676, T replaced by A.
Protein change: p.Leu559His; replaces leucine 559 with histidine.
Molecular consequence: missense variant. On other transcripts: non-coding transcript variant (1).
Genome position (GRCh38, 1-based): chrX:41,346,919, T>A. VCF-style: chrX-41346919-T-A. GRCh37 (hg19) VCF-style: chrX-41206172-T-A.
Other names: c.1676T>A, p.Leu559His (NM_001193416.3); c.1628T>A, p.Leu543His (NM_001193417.3); c.1118T>A, p.Leu373His (NM_001363819.1); short protein forms L559H, L373H, L543H.
Identifiers: ClinVar variation 421228 (VCV000421228.10), dbSNP rs1064794993, ClinGen allele CA16621394.